The following is an entry in ClinVar:

ClinVar aggregate classification (germline): Likely pathogenic (1 of 4 stars; one submission).

Submission:

GeneDx
Classification: Likely pathogenic. Last evaluated: 2023-03-31. Review status: criteria provided, single submitter. Criteria: GeneDx Variant Classification Process June 2021. Collection method: clinical testing. Allele origin: germline. Affected: yes.
Comment: Frameshift variant predicted to result in protein truncation or nonsense mediated decay in a gene for which loss-of-function is a known mechanism of disease; Not observed at significant frequency in large population cohorts (gnomAD); Has not been previously published as pathogenic or benign to our knowledge

NM_004713.6(NEMF):c.438del (p.Lys146fs)

Gene: NEMF (nuclear export mediator factor; minus strand). Cytogenetic location: 14q21.3.
Variant type: Deletion.
Coding change: c.438del on transcript NM_004713.6 (MANE Select); coding-DNA position 438, one base deleted (A; older notation c.438delA).
Protein change: p.Lys146fs; shifts the reading frame from lysine 146.
Molecular consequence: frameshift variant.
Genome position (GRCh38, 1-based): chr14:49,840,786, T deleted on the plus strand (A on the coding strand, the reverse complement: NEMF is on the minus strand); the first of 3 consecutive T bases (chr14:49,840,786-49,840,788); deleting any one gives the same sequence. VCF-style (leftmost placement, unchanged base first): chr14-49840785-AT-A. GRCh37 (hg19) VCF-style: chr14-50307503-AT-A.
Other names: c.438del, p.Lys146fs (NM_001301732.3); short protein forms K146fs.
Identifiers: ClinVar variation 1687703 (VCV001687703.3), dbSNP rs1244609956, ClinGen allele CA389633627.